The following is an entry in ClinVar:

NM_000048.4(ASL):c.299T>A (p.Ile100Asn)

Gene: ASL (argininosuccinate lyase; plus strand). Cytogenetic location: 7q11.21.
Variant type: single nucleotide variant.
Coding change: c.299T>A on transcript NM_000048.4 (MANE Select); coding-DNA position 299, T replaced by A.
Protein change: p.Ile100Asn; replaces isoleucine 100 with asparagine.
Molecular consequence: missense variant.
Genome position (GRCh38, 1-based): chr7:66,082,887, T>A. VCF-style: chr7-66082887-T-A. GRCh37 (hg19) VCF-style: chr7-65547874-T-A.
Other names: c.299T>A, p.Ile100Asn (NM_001024943.2, NM_001024944.2, NM_001024946.2); short protein forms I100N.
Identifiers: ClinVar variation 1685244 (VCV001685244.7), dbSNP rs202142867, ClinGen allele CA4276894.
Genomic context (GRCh38, chr7:66,082,887, plus strand): 5'-GTTGACTCCTCTGGGGGTATAGACCGTGACCCTGGGTCTCCCTTCACCTCCAGGAGCTCA[T>A]TGGTGCAACGGCAGGGAAGCTGCACACGGGACGGAGCCGGAATGACCAGGTGCTTTAGCC-3'
Protein context (NP_000039.2, residues 90-110): TANERRLKEL[Ile100Asn]GATAGKLHTG

ClinVar aggregate classification (germline): Likely pathogenic. Review status: criteria provided, multiple submitters, no conflicts (2 of 4 stars). 3 submissions from 3 submitters: Likely pathogenic (3). Last evaluated 2025-07-28.

Conditions:
Argininosuccinate lyase deficiency. Also called: ARGININOSUCCINIC ACID LYASE DEFICIENCY; ASL DEFICIENCY; Argininosuccinic aciduria. Identifiers: Orphanet 23, MedGen C0268547, MONDO:0008815, OMIM 207900, HP:0025630.

gnomAD v4.1: 3 of 1,613,622 alleles (0.00019%); highest among the groups gnomAD compares: African/African-American, 0.004%; no homozygotes.

Submissions (3):

First Genomix Gene Laboratory, Genetic Diagnostics Department
Classification: Likely pathogenic for Argininosuccinate lyase deficiency. Last evaluated: 2025-07-28. Review status: criteria provided, single submitter. Criteria: ACMG Guidelines, 2015. Collection method: clinical testing. Allele origin: germline. Inheritance: Autosomal recessive inheritance. Affected: no. Observed: 1 variant allele.

Labcorp Genetics (formerly Invitae), Labcorp
Classification: Likely pathogenic for Argininosuccinate lyase deficiency. Last evaluated: 2023-09-08. Review status: criteria provided, single submitter. Criteria: Invitae Variant Classification Sherloc (09022015). Collection method: clinical testing. Allele origin: germline.
Comment: This sequence change replaces isoleucine, which is neutral and non-polar, with asparagine, which is neutral and polar, at codon 100 of the ASL protein (p.Ile100Asn). This variant is present in population databases (rs202142867, gnomAD 0.007%). This variant has not been reported in the literature in individuals affected with ASL-related conditions. ClinVar contains an entry for this variant (Variation ID: 1685244). Advanced modeling of protein sequence and biophysical properties (such as structural, functional, and spatial information, amino acid conservation, physicochemical variation, residue mobility, and thermodynamic stability) performed at Invitae indicates that this missense variant is expected to disrupt ASL protein function. This variant disrupts the p.Ile100 amino acid residue in ASL. Other variant(s) that disrupt this residue have been determined to be pathogenic (PMID: 12384776, 18616627, 22231378). This suggests that this residue is clinically significant, and that variants that disrupt this residue are likely to be disease-causing. In summary, the currently available evidence indicates that the variant is pathogenic, but additional data are needed to prove that conclusively. Therefore, this variant has been classified as Likely Pathogenic.

Mendelics
Classification: Likely pathogenic for Argininosuccinate lyase deficiency. Last evaluated: 2022-05-04. Review status: criteria provided, single submitter. Criteria: Mendelics Assertion Criteria 2019. Collection method: clinical testing. Allele origin: germline.

Literature cited by the submitters: PubMed 12384776 (cited by Labcorp Genetics (formerly Invitae), Labcorp); PubMed 18616627 (cited by Labcorp Genetics (formerly Invitae), Labcorp); PubMed 22231378 (cited by Labcorp Genetics (formerly Invitae), Labcorp).